The following is an entry in ClinVar:

NM_006922.4(SCN3A):c.829T>A (p.Cys277Ser)

Gene: SCN3A (sodium voltage-gated channel alpha subunit 3; minus strand). Cytogenetic location: 2q24.3.
Variant type: single nucleotide variant.
Coding change: c.829T>A on transcript NM_006922.4 (MANE Select); coding-DNA position 829, T replaced by A.
Protein change: p.Cys277Ser; replaces cysteine 277 with serine.
Molecular consequence: missense variant.
Genome position (GRCh38, 1-based): chr2:165,162,694, A>T on the plus strand (T>A on the coding strand, the complement: SCN3A is on the minus strand). VCF-style: chr2-165162694-A-T. GRCh37 (hg19) VCF-style: chr2-166019204-A-T.
Other names: c.829T>A, p.Cys277Ser (NM_001081676.2, NM_001081677.2); short protein forms C277S.
Identifiers: ClinVar variation 3900509 (VCV003900509.1).

ClinVar aggregate classification (germline): Uncertain significance (1 of 4 stars; one submission).

Submission:

GeneDx
Classification: Uncertain significance. Last evaluated: 2024-11-20. Review status: criteria provided, single submitter. Criteria: GeneDx Variant Classification Process June 2021. Collection method: clinical testing. Allele origin: germline. Affected: yes.
Comment: Not observed at significant frequency in large population cohorts (gnomAD); In silico analysis supports that this missense variant has a deleterious effect on protein structure/function; Has not been previously published as pathogenic or benign to our knowledge